The following is an entry in ClinVar:

ClinVar aggregate classification (germline): Likely benign. Review status: criteria provided, multiple submitters, no conflicts (2 of 4 stars). 2 submissions from 2 submitters: Likely benign (2). Last evaluated 2025-11-18.

Conditions:
Epidermolysis bullosa simplex 5B, with muscular dystrophy (EBS5B). Also called: EPIDERMOLYSIS BULLOSA SIMPLEX AND LIMB-GIRDLE MUSCULAR DYSTROPHY; Epidermolysis bullosa simplex with muscular dystrophy. Identifiers: Orphanet 257, MedGen C2931072, MONDO:0009181, OMIM 226670.
Autosomal recessive limb-girdle muscular dystrophy type 2Q (LGMDR17). Also called: MUSCULAR DYSTROPHY, LIMB-GIRDLE, AUTOSOMAL RECESSIVE 17. Identifiers: Orphanet 254361, MedGen C3150989, MONDO:0013390, OMIM 613723.
Epidermolysis bullosa simplex with nail dystrophy (EBS5D). Identifiers: MedGen C4225309, MONDO:0014661, OMIM 616487.
Epidermolysis bullosa simplex, Ogna type (EBS5A). Also called: Pidermolysis bullosa simplex 5A, Ogna type; EPIDERMOLYSIS BULLOSA SIMPLEX 5A, OGNA TYPE. Identifiers: Orphanet 79401, MedGen C0432317, MONDO:0007555, OMIM 131950.
Epidermolysis bullosa simplex 5C, with pyloric atresia (EBS5C). Also called: PLEC-Related Epidermolysis Bullosa with Pyloric Atresia; Epidermolysis bullosa simplex with pyloric atresia; PLEC1-Related Epidermolysis Bullosa with Pyloric Atresia. Identifiers: Orphanet 158684, MedGen C2677349, MONDO:0012807, OMIM 612138.

Allele frequency attached by ClinVar (database versions not stated): gnomAD exomes 0.00010; ExAC 0.00016; ESP Exome Variant Server 0.00018; gnomAD 0.00019 and 0.00021; TOPMed 0.00023; 1000 Genomes Project 0.00040; 1000 Genomes Project 30x 0.00047.
gnomAD v4.1: 80 of 1,573,026 alleles (0.0051%); highest among the groups gnomAD compares: African/African-American, 0.058%; no homozygotes.

Submissions (2):

Labcorp Genetics (formerly Invitae), Labcorp
Classification: Likely benign for Autosomal recessive limb-girdle muscular dystrophy type 2Q; Epidermolysis bullosa simplex, Ogna type; Epidermolysis bullosa simplex with nail dystrophy; Epidermolysis bullosa simplex 5C, with pyloric atresia; Epidermolysis bullosa simplex 5B, with muscular dystrophy. Last evaluated: 2025-11-18. Review status: criteria provided, single submitter. Criteria: Invitae Variant Classification Sherloc (09022015). Collection method: clinical testing. Allele origin: germline.

Mayo Clinic Laboratories, Mayo Clinic
Classification: Likely benign. Last evaluated: 2025-04-01. Review status: criteria provided, single submitter. Criteria: ACMG Guidelines, 2015. Collection method: clinical testing. Allele origin: germline. Observed: 1 variant allele.
Comment: BP4, BP7

NM_201384.3(PLEC):c.6147G>A (p.Ala2049=)

Gene: PLEC (plectin; minus strand). Cytogenetic location: 8q24.3.
Variant type: single nucleotide variant.
Coding change: c.6147G>A on transcript NM_201384.3 (MANE Select); coding-DNA position 6147, G replaced by A.
Protein change: p.Ala2049=; no amino-acid change (alanine 2049 retained).
Molecular consequence: synonymous variant.
Genome position (GRCh38, 1-based): chr8:143,923,782, C>T on the plus strand (G>A on the coding strand, the complement: PLEC is on the minus strand). VCF-style: chr8-143923782-C-T. GRCh37 (hg19) VCF-style: chr8-144997950-C-T.
Other names: p.Ala2076=; c.6228G>A, p.Ala2076= (NM_000445.5); c.6105G>A, p.Ala2035= (NM_201378.4); c.6081G>A, p.Ala2027= (NM_201379.3); c.6558G>A, p.Ala2186= (NM_201380.4); c.6051G>A, p.Ala2017= (NM_201381.3); c.6147G>A, p.Ala2049= (NM_201382.4); c.6159G>A, p.Ala2053= (NM_201383.3).
Identifiers: ClinVar variation 704900 (VCV000704900.11), dbSNP rs374045717, ClinGen allele CA4926093.
Genomic context (GRCh38, chr8:143,923,782, plus strand): 5'-CAGCGTCTGCTGTAGCTCCTGCTCCTTCTGCTGCACCGCGAAGGCGTGTGCCTTCTCTTC[C>T]GCCTGCAGCCGCTTCTGGGCGGCCTCCTGGGCCAGCTGCAGCTGCCGCGCCGACTCCTGC-3'
Protein context (NP_958786.1, residues 2039-2059): AQEAAQKRLQ[Ala2049=]EEKAHAFAVQ